The following is an entry in ClinVar:

NM_001267550.2(TTN):c.67130C>A (p.Pro22377His)

Genes: TTN (titin; minus strand), TTN-AS1 (TTN antisense RNA 1; plus strand). Cytogenetic location: 2q31.2.
Variant type: single nucleotide variant.
Coding change: c.67130C>A on transcript NM_001267550.2 (MANE Select); coding-DNA position 67130, C replaced by A.
Protein change: p.Pro22377His; replaces proline 22377 with histidine.
Molecular consequence: missense variant.
Genome position (GRCh38, 1-based): chr2:178,580,157, G>T on the plus strand (C>A on the coding strand, the complement: TTN is on the minus strand). VCF-style: chr2-178580157-G-T. GRCh37 (hg19) VCF-style: chr2-179444884-G-T.
Other names: c.62207C>A, p.Pro20736His (NM_001256850.1); c.39935C>A, p.Pro13312His (NM_003319.4); c.59426C>A, p.Pro19809His (NM_133378.4); c.40310C>A, p.Pro13437His (NM_133432.3); c.40511C>A, p.Pro13504His (NM_133437.4); short protein forms P22377H, P19809H, P13437H, P20736H, P13504H, P13312H.
Identifiers: ClinVar variation 595109 (VCV000595109.29), dbSNP rs771093991, ClinGen allele CA349424419.

ClinVar aggregate classification (germline): Uncertain significance. Review status: criteria provided, multiple submitters, no conflicts (2 of 4 stars). 2 submissions from 2 submitters: Uncertain significance (2). Last evaluated 2024-03-01.

Submissions (2):

CeGaT Center for Human Genetics Tuebingen
Classification: Uncertain significance. Last evaluated: 2024-03-01. Review status: criteria provided, single submitter. Criteria: CeGaT Center For Human Genetics Tuebingen Variant Classification Criteria Version 2. Collection method: clinical testing. Allele origin: germline. Affected: yes. Observed: 2 variant alleles.
Comment: TTN: PM2, BP1, BP4

Eurofins Ntd Llc (ga)
Classification: Uncertain significance. Last evaluated: 2017-11-21. Review status: criteria provided, single submitter. Criteria: EGL Classification Definitions 2015. Collection method: clinical testing. Allele origin: germline. Observed: 1 variant allele, 1 heterozygote.